The following is an entry in ClinVar:

ClinVar aggregate classification (germline): Benign/Likely benign. Review status: criteria provided, multiple submitters, no conflicts (2 of 4 stars). 6 submissions from 6 submitters: Benign (1); Likely benign (5). Last evaluated 2025-02-06.

Conditions:
Hereditary cancer-predisposing syndrome. Also called: Tumor predisposition; Neoplastic Syndromes, Hereditary; Hereditary Cancer Syndrome; Hereditary neoplastic syndrome. Identifiers: Orphanet 140162, MedGen C0027672, MeSH D009386, MONDO:0015356.
Breast and/or ovarian cancer. Identifiers: MedGen CN221562.
Familial cancer of breast. Also called: BREAST CANCER, FAMILIAL; Hereditary breast cancer; hereditary breast carcinoma. Identifiers: Orphanet 227535, MedGen C0346153, MONDO:0016419, OMIM 114480. Disease mechanism: loss of function.
Ataxia-telangiectasia syndrome (AT). Also called: Cerebello-oculocutaneous telangiectasia; Immunodeficiency with ataxia telangiectasia; ATAXIA-TELANGIECTASIA, COMPLEMENTATION GROUP A; Ataxia-telangiectasia, complementation group D; AT, COMPLEMENTATION GROUP C; ATAXIA-TELANGIECTASIA, FRESNO VARIANT. Identifiers: Orphanet 100, MedGen C0004135, MONDO:0008840, OMIM 208900.

Allele frequency attached by ClinVar (database versions not stated): gnomAD exomes below 0.00001 and 0.00001; ExAC 0.00001; gnomAD 0.00001.
gnomAD v4.1: 8 of 1,613,770 alleles (0.0005%); highest among the groups gnomAD compares: Non-Finnish European, 0.00068%; no homozygotes.

Submissions (6):

Mayo Clinic Laboratories, Mayo Clinic
Classification: Likely benign. Last evaluated: 2025-02-06. Review status: criteria provided, single submitter. Criteria: ACMG Guidelines, 2015. Collection method: clinical testing. Allele origin: germline. Observed: 1 variant allele.
Comment: BP4, BP7

Labcorp Genetics (formerly Invitae), Labcorp
Classification: Likely benign for Ataxia-telangiectasia syndrome. Last evaluated: 2024-11-27. Review status: criteria provided, single submitter. Criteria: Invitae Variant Classification Sherloc (09022015). Collection method: clinical testing. Allele origin: germline.

Myriad Genetics, Inc.
Classification: Benign for Familial cancer of breast. Last evaluated: 2024-05-14. Review status: criteria provided, single submitter. Criteria: Myriad Autosomal Dominant, Autosomal Recessive and X-Linked Classification Criteria (2023). Collection method: clinical testing. Allele origin: unknown.
Comment: This variant is considered benign. This variant is a silent/synonymous amino acid change and it is not expected to impact splicing.

CHEO Genetics Diagnostic Laboratory, Children's Hospital of Eastern Ontario
Classification: Likely benign for Breast and/or ovarian cancer. Last evaluated: 2023-01-04. Review status: criteria provided, single submitter. Criteria: ACMG Guidelines, 2015. Collection method: clinical testing. Allele origin: germline.

Color Diagnostics, LLC DBA Color Health
Classification: Likely benign for Hereditary cancer-predisposing syndrome. Last evaluated: 2017-12-21. Review status: criteria provided, single submitter. Criteria: ACMG Guidelines, 2015. Collection method: clinical testing. Allele origin: germline.

Ambry Genetics
Classification: Likely benign for Hereditary cancer-predisposing syndrome. Last evaluated: 2016-04-12. Review status: criteria provided, single submitter. Criteria: Ambry Variant Classification Scheme 2023. Collection method: clinical testing. Allele origin: germline.

NM_000051.4(ATM):c.3351A>G (p.Gln1117=)

Gene: ATM (ATM serine/threonine kinase; plus strand). Cytogenetic location: 11q22.3.
Variant type: single nucleotide variant.
Coding change: c.3351A>G on transcript NM_000051.4 (MANE Select); coding-DNA position 3351, A replaced by G.
Protein change: p.Gln1117=; no amino-acid change (glutamine 1117 retained).
Molecular consequence: synonymous variant.
Genome position (GRCh38, 1-based): chr11:108,279,557, A>G. VCF-style: chr11-108279557-A-G. GRCh37 (hg19) VCF-style: chr11-108150284-A-G.
Other names: p.Gln1117=; c.3351A>G, p.Gln1117= (NM_001351834.2).
Identifiers: ClinVar variation 478974 (VCV000478974.20), dbSNP rs777375945, ClinGen allele CA6265267.
Genomic context (GRCh38, chr11:108,279,557, plus strand): 5'-CCAGGACACGAAGGGAGATTCTTCCAGGTTACTGAAAGCACTTCCTTTGAAGCTTCAGCA[A>G]ACAGCTTTTGAAAATGCATACTTGAAAGCTCAGGAAGGAATGAGAGAAATGGTAATTTTA-3'
Protein context (NP_000042.3, residues 1107-1127): LLKALPLKLQ[Gln1117=]TAFENAYLKA